The following is an entry in ClinVar:

ClinVar aggregate classification (germline): Likely pathogenic (1 of 4 stars; one submission).

Conditions:
Inborn genetic diseases. Identifiers: MedGen C0950123, MeSH D030342.

Submission:

Ambry Genetics
Classification: Likely pathogenic for Inborn genetic diseases. Last evaluated: 2025-11-05. Review status: criteria provided, single submitter. Criteria: Ambry Variant Classification Scheme 2023. Collection method: clinical testing. Allele origin: germline.
Comment: The c.917+3081_956del deletion spans part of Intron 8 into Exon 9 (coding exon 9) of the SUZ12 gene, disrupting the canonical acceptor site. Alterations that disrupt the canonical splice site are expected to cause aberrant splicing, resulting in an abnormal protein or a transcript that is subject to nonsense-mediated mRNA decay. This variant was not reported in population-based cohorts in the Genome Aggregation Database (gnomAD). In silico splice site analysis predicts that this alteration will weaken the native splice acceptor site and may result in the creation or strengthening of a novel splice acceptor site. Based on the available evidence, this alteration is classified as likely pathogenic.

NM_015355.4(SUZ12):c.917+3081_956del

Genes: SUZ12 (SUZ12 polycomb repressive complex 2 subunit; plus strand), LOC108783653 (SUZ12 PRS4 recombination region; plus strand). Cytogenetic location: 17q11.2.
Variant type: Deletion.
Coding change: c.917+3081_956del on transcript NM_015355.4 (MANE Select); 3081 bases into the intron after coding-DNA position 917 through coding-DNA position 956, 3,343 bases deleted.
Molecular consequence: splice acceptor variant.
Genome position (GRCh38, 1-based): chr17:31,979,695-31,983,037, 3,343 bases deleted. GRCh37 (hg19): chr17:30,306,714-30,310,056.
Other names: c.848+3081_887del (NM_001321207.2).
Identifiers: ClinVar variation 4632493 (VCV004632493.1).